The following is an entry in ClinVar:

NM_020937.4(FANCM):c.5108A>G (p.His1703Arg)

Gene: FANCM (FA complementation group M; plus strand). Cytogenetic location: 14q21.2.
Variant type: single nucleotide variant.
Coding change: c.5108A>G on transcript NM_020937.4 (MANE Select); coding-DNA position 5108, A replaced by G.
Protein change: p.His1703Arg; replaces histidine 1703 with arginine.
Molecular consequence: missense variant.
Genome position (GRCh38, 1-based): chr14:45,189,130, A>G. VCF-style: chr14-45189130-A-G. GRCh37 (hg19) VCF-style: chr14-45658333-A-G.
Other names: c.5108A>G (LRG_502t1, NM_020937.3); c.5030A>G, p.His1677Arg (NM_001308133.2); short protein forms H1703R, H1677R.
Identifiers: ClinVar variation 313225 (VCV000313225.66), dbSNP rs146897650, ClinGen allele CA7169910.

ClinVar aggregate classification (germline): Conflicting classifications of pathogenicity. Review status: criteria provided, conflicting classifications (1 of 4 stars). 7 submissions from 7 submitters: Uncertain significance (3); Likely benign (3). 1 of the submissions does not count toward it. Last evaluated 2026-01-18.

Conditions:
FANCM-related disorder. Also called: FANCM-related condition.
Fanconi anemia (FA). Also called: Fanconi's anemia. Identifiers: Orphanet 84, MedGen C0015625, MeSH D005199, MONDO:0019391.

Allele frequency attached by ClinVar (database versions not stated): gnomAD exomes 0.00017 and 0.00032; TOPMed 0.00019; gnomAD 0.00020 and 0.00021; ExAC 0.00028; ESP Exome Variant Server 0.00038.
gnomAD v4.1: 304 of 1,613,928 alleles (0.019%); highest among the groups gnomAD compares: Middle Eastern, 0.049%; 1 homozygote.

Submissions (7):

Labcorp Genetics (formerly Invitae), Labcorp
Classification: Likely benign for Fanconi anemia. Last evaluated: 2026-01-18. Review status: criteria provided, single submitter. Criteria: Invitae Variant Classification Sherloc (09022015). Collection method: clinical testing. Allele origin: germline.

GeneDx
Classification: Uncertain significance. Last evaluated: 2025-09-03. Review status: criteria provided, single submitter. Criteria: GeneDx Variant Classification Process June 2021. Collection method: clinical testing. Allele origin: germline. Affected: yes.
Comment: In silico analysis suggests that this missense variant does not alter protein structure/function; Observed in individuals with personal or family history of breast or ovarian cancer, but also in unaffected controls (PMID: 36315097, 28881617, 22347400, 33471991); This variant is associated with the following publications: (PMID: 28881617, 22347400, 36315097, 33471991)

Quest Diagnostics Nichols Institute San Juan Capistrano
Classification: Likely benign. Last evaluated: 2025-07-25. Review status: criteria provided, single submitter. Criteria: Quest Diagnostics criteria. Collection method: clinical testing. Allele origin: unknown.

PreventionGenetics, part of Exact Sciences
Classification: Likely benign for FANCM-related condition. Last evaluated: 2025-07-16. Review status: criteria provided, single submitter. Criteria: ACMG Guidelines, 2015. Collection method: clinical testing. Allele origin: germline.
Comment: This variant is classified as likely benign based on ACMG/AMP sequence variant interpretation guidelines (Richards et al. 2015 PMID: 25741868, with internal and published modifications).

Blueprint Genetics
Classification: Uncertain significance. Last evaluated: 2024-11-22. Review status: criteria provided, single submitter. Criteria: ACMG Guidelines, 2015. Collection method: clinical testing. Allele origin: germline.

CeGaT Center for Human Genetics Tuebingen
Classification: Uncertain significance. Last evaluated: 2017-12-01. Review status: criteria provided, single submitter. Criteria: CeGaT Center For Human Genetics Tuebingen Variant Classification Criteria Version 2. Collection method: clinical testing. Allele origin: germline. Affected: yes. Observed: 1 variant allele.

Department of Pathology and Laboratory Medicine, Sinai Health System
Classification: Uncertain significance. Review status: no assertion criteria provided. Collection method: clinical testing. Allele origin: unknown. Affected: yes. Study: The Canadian Open Genetics Repository (COGR). Not counted in ClinVar's aggregate classification.
Comment: The FANCM p.His1703Arg variant was not identified in the literature nor was it identified in Cosmic. The variant was identified in dbSNP (ID: rs146897650), LOVD 3.0 and in ClinVar (classified as a VUS for Fanconi Anemia by Illumina, Invitae and Praxis fuer Humangenetik Tuebingen). The variant was identified in control databases in 85 of 282664 chromosomes at a frequency of 0.000301 (Genome Aggregation Database Feb 27, 2017). The variant was observed in the following populations: Ashkenazi Jewish in 67 of 10364 chromosomes (freq: 0.006465), Other in 4 of 7218 chromosomes (freq: 0.000554) and European (non-Finnish) in 14 of 128998 chromosomes (freq: 0.000109); it was not observed in the African, Latino, East Asian, European (Finnish), and South Asian populations. The p.His1703 residue is not conserved in mammals and computational analyses (PolyPhen-2, SIFT, AlignGVGD, BLOSUM, MutationTaster) do not suggest a high likelihood of impact to the protein; however, this information is not predictive enough to rule out pathogenicity. The variant occurs outside of the splicing consensus sequence and in silico or computational prediction software programs (SpliceSiteFinder, MaxEntScan, NNSPLICE, and GeneSplicer) do not predict a difference in splicing. In summary, based on the above information the clinical significance of this variant cannot be determined with certainty at this time. This variant is classified as a variant of uncertain significance.

Literature cited by the submitters: PubMed 36707629 (cited by Quest Diagnostics Nichols Institute San Juan Capistrano); PubMed 29338072 (cited by Quest Diagnostics Nichols Institute San Juan Capistrano); PubMed 33471991 (cited by Quest Diagnostics Nichols Institute San Juan Capistrano); PubMed 30541756 (cited by Quest Diagnostics Nichols Institute San Juan Capistrano); PubMed 28881617 (cited by Quest Diagnostics Nichols Institute San Juan Capistrano); PubMed 22347400 (cited by Quest Diagnostics Nichols Institute San Juan Capistrano); PubMed 36315097 (cited by Quest Diagnostics Nichols Institute San Juan Capistrano).